The following is an entry in ClinVar:

NM_172250.3(MMAA):c.-56A>G

Gene: MMAA (metabolism of cobalamin associated A; plus strand). Cytogenetic location: 4q31.21.
Variant type: single nucleotide variant.
Coding change: c.-56A>G on transcript NM_172250.3 (MANE Select); 56 bases upstream of the start codon, A replaced by G.
Molecular consequence: 5 prime UTR variant.
Genome position (GRCh38, 1-based): chr4:145,639,084, A>G. VCF-style: chr4-145639084-A-G. GRCh37 (hg19) VCF-style: chr4-146560236-A-G.
Identifiers: ClinVar variation 138236 (VCV000138236.8), dbSNP rs4835011, ClinGen allele CA292114.

ClinVar aggregate classification (germline): Benign. Review status: criteria provided, multiple submitters, no conflicts (2 of 4 stars). 4 submissions from 4 submitters: Benign (4). Last evaluated 2021-06-15.

Conditions:
Methylmalonic aciduria, cblA type (MACA). Also called: Methylmalonic aciduria, vitamin B12-responsive; Vitamin B12-responsive methylmalonic acidemia type cblA; Methylmalonic aciduria, vitamin b12-responsive, due to defect in synthesis of adenosylcobalamin, cbla complementation type; MMA cbl A type; Methylmalonic acidemia cblA type. Identifiers: Orphanet 28, Orphanet 79310, MedGen C1855109, MONDO:0009613, OMIM 251100.

Allele frequency attached by ClinVar (database versions not stated): 1000 Genomes Project 30x 0.04794; 1000 Genomes Project 0.04992; gnomAD 0.06388 and 0.06404; TOPMed 0.06484; gnomAD exomes 0.07181.
gnomAD v4.1: 109,903 of 1,543,616 alleles (7.1%); highest among the groups gnomAD compares: Middle Eastern, 17%; 4,468 homozygotes.

Submissions (4):

Pars Genome Lab
Classification: Benign for Methylmalonic aciduria, cblA type. Last evaluated: 2021-06-15. Review status: criteria provided, single submitter. Criteria: ACMG Guidelines, 2015. Collection method: clinical testing. Allele origin: germline. Affected: no.

Illumina Laboratory Services, Illumina
Classification: Benign for Methylmalonic aciduria, cblA type. Last evaluated: 2018-01-12. Review status: criteria provided, single submitter. Criteria: ICSL Variant Classification Criteria 13 December 2019. Collection method: clinical testing. Allele origin: germline.
Comment: This variant was observed in the ICSL laboratory as part of a predisposition screen in an ostensibly healthy population. It had not been previously curated by ICSL or reported in the Human Gene Mutation Database (HGMD: prior to June 1st, 2018), and was therefore a candidate for classification through an automated scoring system. Utilizing variant allele frequency, disease prevalence and penetrance estimates, and inheritance mode, an automated score was calculated to assess if this variant is too frequent to cause the disease. Based on the score and internal cut-off values, a variant classified as benign is not then subjected to further curation. The score for this variant resulted in a classification of benign for this disease.

GeneDx
Classification: Benign. Last evaluated: 2013-05-29. Review status: criteria provided, single submitter. Criteria: GeneDx Variant Classification (06012015). Collection method: clinical testing. Allele origin: germline. Affected: yes.
Comment: This variant is considered likely benign or benign based on one or more of the following criteria: it is a conservative change, it occurs at a poorly conserved position in the protein, it is predicted to be benign by multiple in silico algorithms, and/or has population frequency not consistent with disease.

Breakthrough Genomics
Classification: Benign. Review status: criteria provided, single submitter. Criteria: ACMG Guidelines, 2015. Collection method: not provided. Allele origin: germline. Inheritance: Autosomal recessive inheritance. Affected: yes.